The following is an entry in ClinVar:

NM_001374736.1(DST):c.11866G>C (p.Glu3956Gln)

Gene: DST (dystonin; minus strand). Cytogenetic location: 6p12.1.
Variant type: single nucleotide variant.
Coding change: c.11866G>C on transcript NM_001374736.1 (MANE Select); coding-DNA position 11866, G replaced by C.
Protein change: p.Glu3956Gln; replaces glutamic acid 3956 with glutamine.
Molecular consequence: missense variant.
Genome position (GRCh38, 1-based): chr6:56,598,538, C>G on the plus strand (G>C on the coding strand, the complement: DST is on the minus strand). VCF-style: chr6-56598538-C-G. GRCh37 (hg19) VCF-style: chr6-56463336-C-G.
Other names: c.5509G>C, p.Glu1837Gln (NM_001144769.5); c.5095G>C, p.Glu1699Gln (NM_001144770.2); c.11866G>C, p.Glu3956Gln (NM_001374722.1); c.11233G>C, p.Glu3745Gln (NM_001374729.1); c.4975G>C, p.Glu1659Gln (NM_001374730.1, NM_001386100.1, NM_183380.4); c.11893G>C, p.Glu3965Gln (NM_001374734.1); c.3997G>C, p.Glu1333Gln (NM_015548.5); short protein forms E1699Q, E3745Q, E3956Q, E3965Q, E1659Q, E1333Q, E1837Q.
Identifiers: ClinVar variation 1748016 (VCV001748016.2), dbSNP rs754229165, ClinGen allele CA3868565.

ClinVar aggregate classification (germline): Uncertain significance (1 of 4 stars; one submission).

Conditions:
Inborn genetic diseases. Identifiers: MedGen C0950123, MeSH D030342.

Allele frequency attached by ClinVar (database versions not stated): gnomAD exomes 0.00001; ExAC 0.00002; TOPMed 0.00002.
gnomAD v4.1: 8 of 1,608,100 alleles (0.0005%); highest among the groups gnomAD compares: East Asian, 0.0045%; no homozygotes.

Submission:

Ambry Genetics
Classification: Uncertain significance for Inborn genetic diseases. Last evaluated: 2020-08-19. Review status: criteria provided, single submitter. Criteria: Ambry Variant Classification Scheme 2023. Collection method: clinical testing. Allele origin: germline.
Comment: The p.E1837Q variant (also known as c.5509G>C), located in coding exon 40 of the DST gene, results from a G to C substitution at nucleotide position 5509. The glutamic acid at codon 1837 is replaced by glutamine, an amino acid with highly similar properties. This amino acid position is highly conserved in available vertebrate species. In addition, the in silico prediction for this alteration is inconclusive. Since supporting evidence is limited at this time, the clinical significance of this alteration remains unclear.